The following is an entry in ClinVar:

NM_078470.6(COX15):c.53T>G (p.Leu18Arg)

Genes: COX15 (cytochrome c oxidase assembly homolog COX15; minus strand), LOC130004506 (ATAC-STARR-seq lymphoblastoid active region 3872; plus strand). Cytogenetic location: 10q24.2.
Variant type: single nucleotide variant.
Coding change: c.53T>G on transcript NM_078470.6 (MANE Select); coding-DNA position 53, T replaced by G.
Protein change: p.Leu18Arg; replaces leucine 18 with arginine.
Molecular consequence: missense variant. On other transcripts: 5 prime UTR variant (1), non-coding transcript variant (1).
Genome position (GRCh38, 1-based): chr10:99,731,997, A>C on the plus strand (T>G on the coding strand, the complement: COX15 is on the minus strand). VCF-style: chr10-99731997-A-C. GRCh37 (hg19) VCF-style: chr10-101491754-A-C.
Other names: c.53T>G, p.Leu18Arg (NM_001320974.2, NM_001320975.2, NM_001372024.1 and 5 more transcripts); c.-402T>G (NM_001320976.2); short protein forms L18R.
Identifiers: ClinVar variation 1372910 (VCV001372910.3), dbSNP rs2133648047, ClinGen allele CA378090920.

ClinVar aggregate classification (germline): Uncertain significance (1 of 4 stars; one submission).

Submission:

Labcorp Genetics (formerly Invitae), Labcorp
Classification: Uncertain significance. Last evaluated: 2021-12-02. Review status: criteria provided, single submitter. Criteria: Invitae Variant Classification Sherloc (09022015). Collection method: clinical testing. Allele origin: germline.
Comment: This sequence change replaces leucine with arginine at codon 18 of the COX15 protein (p.Leu18Arg). The leucine residue is weakly conserved and there is a moderate physicochemical difference between leucine and arginine. This variant is not present in population databases (gnomAD no frequency). This variant has not been reported in the literature in individuals affected with COX15-related conditions. Algorithms developed to predict the effect of missense changes on protein structure and function are either unavailable or do not agree on the potential impact of this missense change (SIFT: "Not Available"; PolyPhen-2: "Possibly Damaging"; Align-GVGD: "Not Available"). In summary, the available evidence is currently insufficient to determine the role of this variant in disease. Therefore, it has been classified as a Variant of Uncertain Significance.